The following is an entry in ClinVar:

ClinVar aggregate classification (germline): Uncertain significance (1 of 4 stars; one submission).

Submission:

GeneDx
Classification: Uncertain significance. Last evaluated: 2023-04-26. Review status: criteria provided, single submitter. Criteria: GeneDx Variant Classification Process June 2021. Collection method: clinical testing. Allele origin: germline. Affected: yes.
Comment: Not observed at significant frequency in large population cohorts (gnomAD); In silico analysis supports that this missense variant does not alter protein structure/function; Has not been previously published as pathogenic or benign to our knowledge

NM_001385012.1(NBEA):c.3406A>G (p.Lys1136Glu)

Gene: NBEA (neurobeachin; plus strand). Cytogenetic location: 13q13.3.
Variant type: single nucleotide variant.
Coding change: c.3406A>G on transcript NM_001385012.1 (MANE Select); coding-DNA position 3406, A replaced by G.
Protein change: p.Lys1136Glu; replaces lysine 1136 with glutamic acid.
Molecular consequence: missense variant.
Genome position (GRCh38, 1-based): chr13:35,159,577, A>G. VCF-style: chr13-35159577-A-G. GRCh37 (hg19) VCF-style: chr13-35733714-A-G.
Other names: c.3406A>G, p.Lys1136Glu (NM_001379245.1, NM_015678.5); short protein forms K1136E.
Identifiers: ClinVar variation 2663657 (VCV002663657.1), dbSNP rs2503631858, ClinGen allele CA387837709.